The following is an entry in ClinVar:

ClinVar aggregate classification (germline): Conflicting classifications of pathogenicity. Review status: criteria provided, conflicting classifications (1 of 4 stars). 2 submissions from 2 submitters: Uncertain significance (1); Likely benign (1). Last evaluated 2024-09-29.

Conditions:
Nemaline myopathy 6 (NEM6). Also called: Nemaline myopathy 6, autosomal dominant. Identifiers: Orphanet 171439, MedGen C1836472, MONDO:0012237, OMIM 609273.

Allele frequency attached by ClinVar (database versions not stated): gnomAD exomes below 0.00001; ExAC 0.00002; gnomAD 0.00002 and 0.00003; TOPMed 0.00003.

Submissions (2):

Labcorp Genetics (formerly Invitae), Labcorp
Classification: Uncertain significance for Nemaline myopathy 6. Last evaluated: 2024-09-29. Review status: criteria provided, single submitter. Criteria: Invitae Variant Classification Sherloc (09022015). Collection method: clinical testing. Allele origin: germline.
Comment: This sequence change replaces proline, which is neutral and non-polar, with serine, which is neutral and polar, at codon 292 of the KBTBD13 protein (p.Pro292Ser). This variant is not present in population databases (gnomAD no frequency). This variant has not been reported in the literature in individuals affected with KBTBD13-related conditions. ClinVar contains an entry for this variant (Variation ID: 1449567). Invitae Evidence Modeling of protein sequence and biophysical properties (such as structural, functional, and spatial information, amino acid conservation, physicochemical variation, residue mobility, and thermodynamic stability) has been performed for this missense variant. However, the output from this modeling did not meet the statistical confidence thresholds required to predict the impact of this variant on KBTBD13 protein function. In summary, the available evidence is currently insufficient to determine the role of this variant in disease. Therefore, it has been classified as a Variant of Uncertain Significance.

Blueprint Genetics
Classification: Likely benign. Last evaluated: 2019-10-22. Review status: criteria provided, single submitter. Criteria: ACMG Guidelines, 2015. Collection method: clinical testing. Allele origin: germline.

NM_001101362.3(KBTBD13):c.874C>T (p.Pro292Ser)

Gene: KBTBD13 (kelch repeat and BTB domain containing 13; plus strand). Cytogenetic location: 15q22.31.
Variant type: single nucleotide variant.
Coding change: c.874C>T on transcript NM_001101362.3 (MANE Select); coding-DNA position 874, C replaced by T.
Protein change: p.Pro292Ser; replaces proline 292 with serine.
Molecular consequence: missense variant.
Genome position (GRCh38, 1-based): chr15:65,077,689, C>T. VCF-style: chr15-65077689-C-T. GRCh37 (hg19) VCF-style: chr15-65370027-C-T.
Other names: short protein forms P292S.
Identifiers: ClinVar variation 1449567 (VCV001449567.7), dbSNP rs765686080, ClinGen allele CA7614004.